The following is an entry in ClinVar:

ClinVar aggregate classification (germline): Uncertain significance (1 of 4 stars; one submission).

Conditions:
Cardiac arrhythmia. Also called: Arrhythmia; Cardiac rhythm disease. Identifiers: MedGen C0003811, MONDO:0007263, HP:0011675.

Submission:

Color Diagnostics, LLC DBA Color Health
Classification: Uncertain significance for Cardiac arrhythmia. Last evaluated: 2024-03-06. Review status: criteria provided, single submitter. Criteria: ACMG Guidelines, 2015. Collection method: clinical testing. Allele origin: germline.
Comment: This missense variant replaces isoleucine with asparagine at codon 358 of the KCNH2 protein. Computational prediction suggests that this variant may have deleterious impact on protein structure and function (internally defined REVEL score threshold >= 0.7, PMID: 27666373). To our knowledge, functional studies have not been reported for this variant. This variant has not been reported in individuals affected with cardiovascular disorders in the literature. This variant has not been identified in the general population by the Genome Aggregation Database (gnomAD). The available evidence is insufficient to determine the role of this variant in disease conclusively. Therefore, this variant is classified as a Variant of Uncertain Significance.

NM_000238.4(KCNH2):c.1073T>A (p.Ile358Asn)

Gene: KCNH2 (potassium voltage-gated channel subfamily H member 2; minus strand). Cytogenetic location: 7q36.1.
Variant type: single nucleotide variant.
Coding change: c.1073T>A on transcript NM_000238.4 (MANE Select); coding-DNA position 1073, T replaced by A.
Protein change: p.Ile358Asn; replaces isoleucine 358 with asparagine.
Molecular consequence: missense variant.
Genome position (GRCh38, 1-based): chr7:150,957,346, A>T on the plus strand (T>A on the coding strand, the complement: KCNH2 is on the minus strand). VCF-style: chr7-150957346-A-T. GRCh37 (hg19) VCF-style: chr7-150654434-A-T.
Other names: c.785T>A, p.Ile262Asn (NM_001406753.1, NM_001406756.1); c.896T>A, p.Ile299Asn (NM_001406755.1); c.773T>A, p.Ile258Asn (NM_001406757.1); c.1073T>A, p.Ile358Asn (NM_172056.3); short protein forms I358N, I258N, I262N, I299N.
Identifiers: ClinVar variation 1172314 (VCV001172314.6), dbSNP rs2116997537, ClinGen allele CA369861527.
Genomic context (GRCh38, chr7:150,957,346, plus strand): 5'-CCTACCTGGGTGACCTTCTCAGTGACATTGTGGGTTCGCTCCTTTATCTTAGGTGCTATG[A>T]TCTCACGGTCACTGGTGGGCGAAGCCAAGAAGGGGTCGCCCTTGAGGTCCACAAAGTTGA-3'
Protein context (NP_000229.1, residues 348-368): FLASPTSDRE[Ile358Asn]IAPKIKERTH